The following is an entry in ClinVar:

ClinVar aggregate classification (germline): Uncertain significance (1 of 4 stars; one submission).

Conditions:
Primary ciliary dyskinesia. Also called: Ciliary dyskinesia. Identifiers: Orphanet 244, MedGen C0008780, MONDO:0016575, HP:0012265.

Submission:

Labcorp Genetics (formerly Invitae), Labcorp
Classification: Uncertain significance for Primary ciliary dyskinesia. Last evaluated: 2018-08-03. Review status: criteria provided, single submitter. Criteria: Invitae Variant Classification Sherloc (09022015). Collection method: clinical testing. Allele origin: germline.
Comment: Algorithms developed to predict the effect of missense changes on protein structure and function are either unavailable or do not agree on the potential impact of this missense change (SIFT: "Tolerated"; PolyPhen-2: "Possibly Damaging"; Align-GVGD: "Class C0"). Algorithms developed to predict the effect of sequence changes on RNA splicing suggest that this variant may create or strengthen a splice site, but this prediction has not been confirmed by published transcriptional studies. In summary, the available evidence is currently insufficient to determine the role of this variant in disease. Therefore, it has been classified as a Variant of Uncertain Significance. This variant has not been reported in the literature in individuals with DNAAF2-related disease. This variant is not present in population databases (ExAC no frequency). This sequence change replaces isoleucine with valine at codon 654 of the DNAAF2 protein (p.Ile654Val). The isoleucine residue is highly conserved and there is a small physicochemical difference between isoleucine and valine.

NM_018139.3(DNAAF2):c.1960A>G (p.Ile654Val)

Gene: DNAAF2 (dynein axonemal assembly factor 2; minus strand). Cytogenetic location: 14q21.3.
Variant type: single nucleotide variant.
Coding change: c.1960A>G on transcript NM_018139.3 (MANE Select); coding-DNA position 1960, A replaced by G.
Protein change: p.Ile654Val; replaces isoleucine 654 with valine.
Molecular consequence: missense variant. On other transcripts: intron variant (2).
Genome position (GRCh38, 1-based): chr14:49,628,059, T>C on the plus strand (A>G on the coding strand, the complement: DNAAF2 is on the minus strand). VCF-style: chr14-49628059-T-C. GRCh37 (hg19) VCF-style: chr14-50094777-T-C.
Other names: c.1864-2011A>G (NM_001083908.2); c.-204-2011A>G (NM_001378453.1); short protein forms I654V.
Identifiers: ClinVar variation 642250 (VCV000642250.9), dbSNP rs1594603805, ClinGen allele CA389624732.
Genomic context (GRCh38, chr14:49,628,059, plus strand): 5'-TCAACTTCCTTACCTTTGCATTAATTTGAATCTTATTATCAGTAACTTGAAGAACTTCAA[T>C]TAATGGTGGGGTCAAGGACATAGACTGTTTGAATGGAGAGCTCAGGACCTCTTCAAGAAA-3'
Protein context (NP_060609.2, residues 644-664): KQSMSLTPPL[Ile654Val]EVLQVTDNKI